The following is an entry in ClinVar:

ClinVar aggregate classification (germline): Uncertain significance (1 of 4 stars; one submission).

gnomAD v4.1: 1 of 1,613,356 alleles (0.000062%); highest among the groups gnomAD compares: African/African-American, 0.0013%; no homozygotes.

Submission:

GeneDx
Classification: Uncertain significance. Last evaluated: 2024-03-13. Review status: criteria provided, single submitter. Criteria: GeneDx Variant Classification Process June 2021. Collection method: clinical testing. Allele origin: germline. Affected: yes.
Comment: Not observed at significant frequency in large population cohorts (gnomAD); In silico analysis supports that this missense variant does not alter protein structure/function; Has not been previously published as pathogenic or benign to our knowledge

NM_015001.3(SPEN):c.10292T>C (p.Phe3431Ser)

Gene: SPEN (spen family transcriptional repressor; plus strand). Cytogenetic location: 1p36.13.
Variant type: single nucleotide variant.
Coding change: c.10292T>C on transcript NM_015001.3 (MANE Select); coding-DNA position 10292, T replaced by C.
Protein change: p.Phe3431Ser; replaces phenylalanine 3431 with serine.
Molecular consequence: missense variant.
Genome position (GRCh38, 1-based): chr1:15,937,428, T>C. VCF-style: chr1-15937428-T-C. GRCh37 (hg19) VCF-style: chr1-16263923-T-C.
Other names: short protein forms F3431S.
Identifiers: ClinVar variation 3369438 (VCV003369438.1).
Genomic context (GRCh38, chr1:15,937,428, plus strand): 5'-GGCCACCTGAGCCTCACACCCAGGTTCAGAGGGCACAAGCAGAAACAGGCCCGACTTCCT[T>C]CCCCTCCCCTGTGTCTGTCTCCATGAAGCCTGACCTTCCAGTCTCTCTTCCCACTCAGAC-3'
Protein context (NP_055816.2, residues 3421-3441): RAQAETGPTS[Phe3431Ser]PSPVSVSMKP